The following is an entry in ClinVar:

ClinVar aggregate classification (germline): Uncertain significance (1 of 4 stars; one submission).

Conditions:
Mucopolysaccharidosis, MPS-III-A (MPS3A). Also called: HEPARAN SULFATE SULFATASE DEFICIENCY; SANFILIPPO SYNDROME A; SULFAMIDASE DEFICIENCY; MUCOPOLYSACCHARIDOSIS, TYPE IIIA, ATTENUATED; Mucopolysaccharidosis, type IIIA; mucopolysaccharidosis type 3A. Identifiers: Orphanet 581, Orphanet 79269, MedGen C0086647, MONDO:0009655, OMIM 252900.

Allele frequency attached by ClinVar (database versions not stated): gnomAD 0.00001; gnomAD exomes below 0.00001; TOPMed 0.00001.

Submission:

Labcorp Genetics (formerly Invitae), Labcorp
Classification: Uncertain significance for Mucopolysaccharidosis, MPS-III-A. Last evaluated: 2023-07-17. Review status: criteria provided, single submitter. Criteria: Invitae Variant Classification Sherloc (09022015). Collection method: clinical testing. Allele origin: germline.
Comment: This sequence change falls in intron 5 of the SGSH gene. It does not directly change the encoded amino acid sequence of the SGSH protein. It affects a nucleotide within the consensus splice site. This variant is not present in population databases (gnomAD no frequency). This variant has not been reported in the literature in individuals affected with SGSH-related conditions. ClinVar contains an entry for this variant (Variation ID: 2419352). Variants that disrupt the consensus splice site are a relatively common cause of aberrant splicing (PMID: 17576681, 9536098). Algorithms developed to predict the effect of sequence changes on RNA splicing suggest that this variant is not likely to affect RNA splicing. In summary, the available evidence is currently insufficient to determine the role of this variant in disease. Therefore, it has been classified as a Variant of Uncertain Significance.

Literature cited by the submitters: PubMed 17576681; PubMed 9536098.

NM_000199.5(SGSH):c.663+3dup

Gene: SGSH (N-sulfoglucosamine sulfohydrolase; minus strand). Cytogenetic location: 17q25.3.
Variant type: Duplication.
Coding change: c.663+3dup on transcript NM_000199.5 (MANE Select); 3 bases into the intron after coding-DNA position 663, one base duplicated (A; older notation c.663+3dupA).
Molecular consequence: intron variant.
Genome position (GRCh38, 1-based): chr17:80,214,169, T duplicated on the plus strand (A on the coding strand, the reverse complement: SGSH is on the minus strand). VCF-style (leftmost placement, unchanged base first): chr17-80214168-C-CT. GRCh37 (hg19) VCF-style: chr17-78187967-C-CT.
Other names: c.663+3dup (NM_001352921.3, NM_001352922.2).
Identifiers: ClinVar variation 2419352 (VCV002419352.4), dbSNP rs1458760040, ClinGen allele CA775536695.